The following is an entry in ClinVar:

ClinVar aggregate classification (germline): Benign/Likely benign. Review status: criteria provided, multiple submitters, no conflicts (2 of 4 stars). 5 submissions from 5 submitters: Benign (4); Likely benign (1). Last evaluated 2026-02-03.

Allele frequency attached by ClinVar (database versions not stated): 1000 Genomes Project 30x 0.00141; 1000 Genomes Project 0.00160; TOPMed 0.00435; gnomAD 0.00568 and 0.00585; ESP Exome Variant Server 0.00569; gnomAD exomes 0.00582; ExAC 0.00632.
gnomAD v4.1: 11,466 of 1,598,808 alleles (0.72%); highest among the groups gnomAD compares: Non-Finnish European, 0.82%; 43 homozygotes.

Submissions (5):

Labcorp Genetics (formerly Invitae), Labcorp
Classification: Benign. Last evaluated: 2026-02-03. Review status: criteria provided, single submitter. Criteria: Invitae Variant Classification Sherloc (09022015). Collection method: clinical testing. Allele origin: germline.

CeGaT Center for Human Genetics Tuebingen
Classification: Likely benign. Last evaluated: 2025-02-01. Review status: criteria provided, single submitter. Criteria: CeGaT Center For Human Genetics Tuebingen Variant Classification Criteria Version 2. Collection method: clinical testing. Allele origin: germline. Affected: yes. Observed: 6 variant alleles.
Comment: FEZF1: BP4, BS2

GeneDx
Classification: Benign. Last evaluated: 2021-04-13. Review status: criteria provided, single submitter. Criteria: GeneDx Variant Classification Process June 2021. Collection method: clinical testing. Allele origin: germline. Affected: yes.
Comment: This variant is associated with the following publications: (PMID: 26204995)

Genetic Services Laboratory, University of Chicago
Classification: Benign. Last evaluated: 2020-07-09. Review status: criteria provided, single submitter. Criteria: ACMG Guidelines, 2015. Collection method: clinical testing. Allele origin: germline. Affected: no.

Breakthrough Genomics
Classification: Benign. Review status: criteria provided, single submitter. Criteria: ACMG Guidelines, 2015. Collection method: not provided. Allele origin: germline. Inheritance: Autosomal recessive inheritance. Affected: yes.

NM_001024613.4(FEZF1):c.253A>G (p.Ser85Gly)

Genes: FEZF1 (FEZ family zinc finger 1; minus strand), FEZF1-AS1 (FEZF1 antisense RNA 1; plus strand). Cytogenetic location: 7q31.32.
Variant type: single nucleotide variant.
Coding change: c.253A>G on transcript NM_001024613.4 (MANE Select); coding-DNA position 253, A replaced by G.
Protein change: p.Ser85Gly; replaces serine 85 with glycine.
Molecular consequence: missense variant. On other transcripts: non-coding transcript variant (1).
Genome position (GRCh38, 1-based): chr7:122,304,185, T>C on the plus strand (A>G on the coding strand, the complement: FEZF1 is on the minus strand). VCF-style: chr7-122304185-T-C. GRCh37 (hg19) VCF-style: chr7-121944239-T-C.
Other names: c.253A>G, p.Ser85Gly (NM_001160264.3); short protein forms S85G.
Identifiers: ClinVar variation 787587 (VCV000787587.39), dbSNP rs145467198, ClinGen allele CA4459020.